The following is an entry in ClinVar:

NM_018993.4(RIN2):c.508C>A (p.Arg170=)

Gene: RIN2 (Ras and Rab interactor 2; plus strand). Cytogenetic location: 20p11.23.
Variant type: single nucleotide variant.
Coding change: c.508C>A on transcript NM_018993.4 (MANE Select); coding-DNA position 508, C replaced by A.
Protein change: p.Arg170=; no amino-acid change (arginine 170 retained).
Molecular consequence: synonymous variant. On other transcripts: intron variant (1).
Genome position (GRCh38, 1-based): chr20:19,964,996, C>A. VCF-style: chr20-19964996-C-A. GRCh37 (hg19) VCF-style: chr20-19945640-C-A.
Other names: c.655C>A, p.Arg219= (NM_001242581.2); c.-83+4185C>A (NM_001378238.1).
Identifiers: ClinVar variation 1971062 (VCV001971062.5), dbSNP rs377681843, ClinGen allele CA509828305.

ClinVar aggregate classification (germline): Uncertain significance (1 of 4 stars; one submission).

Submission:

Labcorp Genetics (formerly Invitae), Labcorp
Classification: Uncertain significance. Last evaluated: 2022-04-10. Review status: criteria provided, single submitter. Criteria: Invitae Variant Classification Sherloc (09022015). Collection method: clinical testing. Allele origin: germline.
Comment: Algorithms developed to predict the effect of sequence changes on RNA splicing suggest that this variant may disrupt the consensus splice site. This variant has not been reported in the literature in individuals affected with RIN2-related conditions. This variant is present in population databases (no rsID available, gnomAD 0.003%). This sequence change affects codon 170 of the RIN2 mRNA. It is a 'silent' change, meaning that it does not change the encoded amino acid sequence of the RIN2 protein. In summary, the available evidence is currently insufficient to determine the role of this variant in disease. Therefore, it has been classified as a Variant of Uncertain Significance.